The following is an entry in ClinVar:

NM_024675.4(PALB2):c.3073G>T (p.Ala1025Ser)

Gene: PALB2 (partner and localizer of BRCA2; minus strand). Cytogenetic location: 16p12.2.
Variant type: single nucleotide variant.
Coding change: c.3073G>T on transcript NM_024675.4 (MANE Select); coding-DNA position 3073, G replaced by T.
Protein change: p.Ala1025Ser; replaces alanine 1025 with serine.
Molecular consequence: missense variant.
Genome position (GRCh38, 1-based): chr16:23,621,402, C>A on the plus strand (G>T on the coding strand, the complement: PALB2 is on the minus strand). VCF-style: chr16-23621402-C-A. GRCh37 (hg19) VCF-style: chr16-23632723-C-A.
Other names: c.3013G>T, p.Ala1005Ser (NM_001407296.1); c.3001G>T, p.Ala1001Ser (NM_001407297.1); c.2911G>T, p.Ala971Ser (NM_001407298.1, NM_001407302.1); c.3073G>T, p.Ala1025Ser (NM_001407299.1, NM_001407301.1); c.2188G>T, p.Ala730Ser (NM_001407304.1, NM_001407305.1, NM_001407306.1 and 4 more transcripts); c.2026G>T, p.Ala676Ser (NM_001407307.1); c.1285G>T, p.Ala429Ser (NM_001407312.1, NM_001407313.1); c.607G>T, p.Ala203Ser (NM_001407314.1); short protein forms A429S, A1005S, A1025S, A971S, A1001S, A203S, A676S, A730S.
Identifiers: ClinVar variation 1727283 (VCV001727283.2), dbSNP rs746872839, ClinGen allele CA395142937.

ClinVar aggregate classification (germline): Uncertain significance (1 of 4 stars; one submission).

Conditions:
Hereditary cancer-predisposing syndrome. Also called: Tumor predisposition; Neoplastic Syndromes, Hereditary; Hereditary Cancer Syndrome; Hereditary neoplastic syndrome. Identifiers: Orphanet 140162, MedGen C0027672, MeSH D009386, MONDO:0015356.

Submission:

Ambry Genetics
Classification: Uncertain significance for Hereditary cancer-predisposing syndrome. Last evaluated: 2022-03-24. Review status: criteria provided, single submitter. Criteria: Ambry Variant Classification Scheme 2023. Collection method: clinical testing. Allele origin: germline.
Comment: The p.A1025S variant (also known as c.3073G>T), located in coding exon 10 of the PALB2 gene, results from a G to T substitution at nucleotide position 3073. The alanine at codon 1025 is replaced by serine, an amino acid with similar properties. This amino acid position is conserved. In addition, this alteration is predicted to be tolerated by in silico analysis. Since supporting evidence is limited at this time, the clinical significance of this alteration remains unclear.